The following is an entry in ClinVar:

ClinVar aggregate classification (germline): Likely benign. Review status: criteria provided, single submitter (1 of 4 stars). 2 submissions from 2 submitters: Likely benign (1). 1 of the submissions does not count toward it. Last evaluated 2024-07-10.

Conditions:
ABCC2-related disorder. Also called: ABCC2-related condition.

Allele frequency attached by ClinVar (database versions not stated): gnomAD 0.00005; gnomAD exomes 0.00002; ESP Exome Variant Server 0.00008; TOPMed 0.00002; ExAC 0.00008.
gnomAD v4.1: 33 of 1,613,748 alleles (0.002%); highest among the groups gnomAD compares: East Asian, 0.022%; no homozygotes.

Submissions (2):

Labcorp Genetics (formerly Invitae), Labcorp
Classification: Likely benign. Last evaluated: 2024-07-10. Review status: criteria provided, single submitter. Criteria: Invitae Variant Classification Sherloc (09022015). Collection method: clinical testing. Allele origin: germline.

PreventionGenetics, part of Exact Sciences
Classification: Likely benign for ABCC2-related condition. Last evaluated: 2024-04-13. Review status: no assertion criteria provided. Collection method: clinical testing. Allele origin: germline. Not counted in ClinVar's aggregate classification.
Comment: This variant is classified as likely benign based on ACMG/AMP sequence variant interpretation guidelines (Richards et al. 2015 PMID: 25741868, with internal and published modifications).

NM_000392.5(ABCC2):c.1815+8G>A

Gene: ABCC2 (ATP binding cassette subfamily C member 2; plus strand). Cytogenetic location: 10q24.2.
Variant type: single nucleotide variant.
Coding change: c.1815+8G>A on transcript NM_000392.5 (MANE Select); 8 bases into the intron after coding-DNA position 1815, G replaced by A.
Molecular consequence: intron variant.
Genome position (GRCh38, 1-based): chr10:99,808,237, G>A. VCF-style: chr10-99808237-G-A. GRCh37 (hg19) VCF-style: chr10-101567994-G-A.
Other names: c.1815+8G>A (NM_000392.4).
Identifiers: ClinVar variation 2048270 (VCV002048270.5), dbSNP rs375127462, ClinGen allele CA5643286.